The following is an entry in ClinVar:

NM_001927.4(DES):c.554A>T (p.Asp185Val)

Gene: DES (desmin; plus strand). Cytogenetic location: 2q35.
Variant type: single nucleotide variant.
Coding change: c.554A>T on transcript NM_001927.4 (MANE Select); coding-DNA position 554, A replaced by T.
Protein change: p.Asp185Val; replaces aspartic acid 185 with valine.
Molecular consequence: missense variant. On other transcripts: intron variant (1).
Genome position (GRCh38, 1-based): chr2:219,419,016, A>T. VCF-style: chr2-219419016-A-T. GRCh37 (hg19) VCF-style: chr2-220283738-A-T.
Other names: c.554A>T, p.Asp185Val (NM_001382708.1, NM_001382709.1, NM_001382710.1 and 2 more transcripts); c.495+59A>T (NM_001382713.1); short protein forms D185V.
Identifiers: ClinVar variation 2099541 (VCV002099541.6), dbSNP rs1278644037, ClinGen allele CA350687089.

ClinVar aggregate classification (germline): Uncertain significance. Review status: criteria provided, multiple submitters, no conflicts (2 of 4 stars). 2 submissions from 2 submitters: Uncertain significance (2). Last evaluated 2023-03-31.

Conditions:
Desmin-related myofibrillar myopathy (MFM1). Also called: Desminopathy; Desmin related myopathy (former name); Desmin storage myopathy (former name); DESMIN-RELATED MYOPATHY WITH ARRHYTHMOGENIC RIGHT VENTRICULAR CARDIOMYOPATHY; MYOFIBRILLAR MYOPATHY WITH ARRHYTHMOGENIC RIGHT VENTRICULAR CARDIOMYOPATHY; Myofibrillar myopathy 1. Identifiers: Orphanet 363543, Orphanet 98909, MedGen C1832370, MONDO:0011076, OMIM 601419.

Allele frequency attached by ClinVar (database versions not stated): gnomAD exomes below 0.00001.
gnomAD v4.1: 1 of 1,545,072 alleles (0.000065%); highest among the groups gnomAD compares: Admixed American, 0.002%; no homozygotes.

Submissions (2):

Revvity Omics, Revvity
Classification: Uncertain significance. Last evaluated: 2023-03-31. Review status: criteria provided, single submitter. Criteria: ACMG Guidelines, 2015. Collection method: clinical testing. Allele origin: germline.

Labcorp Genetics (formerly Invitae), Labcorp
Classification: Uncertain significance for Desmin-related myofibrillar myopathy. Last evaluated: 2022-02-26. Review status: criteria provided, single submitter. Criteria: Invitae Variant Classification Sherloc (09022015). Collection method: clinical testing. Allele origin: germline.
Comment: This variant has not been reported in the literature in individuals affected with DES-related conditions. The frequency data for this variant in the population databases is considered unreliable, as metrics indicate poor data quality at this position in the gnomAD database. This sequence change replaces aspartic acid, which is acidic and polar, with valine, which is neutral and non-polar, at codon 185 of the DES protein (p.Asp185Val). Algorithms developed to predict the effect of missense changes on protein structure and function are either unavailable or do not agree on the potential impact of this missense change (SIFT: "Deleterious"; PolyPhen-2: "Probably Damaging"; Align-GVGD: "Class C15"). In summary, the available evidence is currently insufficient to determine the role of this variant in disease. Therefore, it has been classified as a Variant of Uncertain Significance.